The following is an entry in ClinVar:

ClinVar aggregate classification (germline): Likely pathogenic (1 of 4 stars; one submission).

Conditions:
Autosomal dominant FGFR2-related disorders.

gnomAD v4.1: 6 of 1,614,026 alleles (0.00037%); highest among the groups gnomAD compares: Non-Finnish European, 0.00051%; no homozygotes.

Submission:

Variantyx, Inc.
Classification: Likely pathogenic for Autosomal dominant FGFR2-related disorders. Last evaluated: 2025-08-29. Review status: criteria provided, single submitter. Criteria: Variantyx Assertion Criteria 2022. Collection method: clinical testing. Allele origin: germline. Inheritance: Autosomal dominant inheritance. Affected: yes.
Comment: This is a nonsynonymous variant in the FGFR2 gene (OMIM: 176943). Pathogenic variants in this gene have been associated with autosomal dominant FGFR2-related disorders. The clinical symptoms reported for this individual are highly specific for autosomal dominant FGFR2-related disorders, which has a limited genetic etiology (PP4). This variant lies within a known hotspot for pathogenic variants or a well-established critical functional domain of the FGFR2 protein (PMID: 16061565, 17525745) (PM1) and multiple computational algorithms predict a deleterious effect for this variant (REVEL score: 0.783) (PP3). This variant has a 0.0008% maximum allele frequency in non-founder control populations (PM2). Based on the current evidence, this variant is classified as likely pathogenic for autosomal dominant FGFR2-related disorders.

Literature cited by the submitters: PubMed 16061565; PubMed 17525745.

NM_000141.5(FGFR2):c.2105C>T (p.Ser702Leu)

Gene: FGFR2 (fibroblast growth factor receptor 2; minus strand). Cytogenetic location: 10q26.13.
Variant type: single nucleotide variant.
Coding change: c.2105C>T on transcript NM_000141.5 (MANE Select); coding-DNA position 2105, C replaced by T.
Protein change: p.Ser702Leu; replaces serine 702 with leucine.
Molecular consequence: missense variant. On other transcripts: non-coding transcript variant (1).
Genome position (GRCh38, 1-based): chr10:121,485,485, G>A on the plus strand (C>T on the coding strand, the complement: FGFR2 is on the minus strand). VCF-style: chr10-121485485-G-A. GRCh37 (hg19) VCF-style: chr10-123244999-G-A.
Other names: c.1760C>T, p.Ser587Leu (NM_001441090.1, NM_001144916.2); c.1754C>T, p.Ser585Leu (NM_001441091.1, NM_001144918.2); c.2108C>T, p.Ser703Leu (NM_022970.4, NM_001144913.1); c.1838C>T, p.Ser613Leu (NM_023029.3, NM_001144915.2); c.1769C>T, p.Ser590Leu (NM_001144914.1); c.1757C>T, p.Ser586Leu (NM_001144917.2); c.1841C>T, p.Ser614Leu (NM_001144919.2); c.1421C>T, p.Ser474Leu (NM_001320654.2); and 4 more; short protein forms S474L, S585L, S586L, S587L, S590L, S611L, S612L, S613L.
Identifiers: ClinVar variation 4850222 (VCV004850222.1).